The following is an entry in ClinVar:

ClinVar aggregate classification (germline): Pathogenic (1 of 4 stars; one submission).

Submission:

GeneDx
Classification: Pathogenic. Last evaluated: 2015-05-18. Review status: criteria provided, single submitter. Criteria: GeneDx Variant Classification (06012015). Collection method: clinical testing. Allele origin: germline. Affected: yes.
Comment: The R232C variant in the POLG gene has not been reported previously as a pathogenic variantnor as a benign polymorphism, to our knowledge. The R232C substitution was not observed in approximately6,500 individuals of European and African American ancestry in the NHLBI Exome Sequencing Project,indicating it is not a common benign variant in these populations. The R232C variant is a non-conservativeamino acid substitution, which is likely to impact secondary protein structure as these residues differ inpolarity, charge, size and/or other properties. This substitution occurs at a position in the exonucleasedomain that is conserved across species. In silico analysis predicts this variant is probably damaging tothe protein structure/function. Missense variants in the same residue and nearby residues (C224Y,R227W/P, R232G/H) have been reported in the Human Gene Mutation Database in association withPOLG-related disorders (Stenson et al., 2014), supporting the functional importance of this region of theprotein. We interpret R232C as a pathogenic variant.

NM_002693.3(POLG):c.694C>T (p.Arg232Cys)

Genes: POLGARF (POLG alternative reading frame; minus strand), POLG (DNA polymerase gamma, catalytic subunit; minus strand). Cytogenetic location: 15q26.1.
Variant type: single nucleotide variant.
Coding change: c.694C>T on transcript NM_002693.3 (MANE Select); coding-DNA position 694, C replaced by T.
Protein change: p.Arg232Cys; replaces arginine 232 with cysteine.
Molecular consequence: missense variant.
Genome position (GRCh38, 1-based): chr15:89,330,242, G>A on the plus strand (C>T on the coding strand, the complement: POLG is on the minus strand). VCF-style: chr15-89330242-G-A. GRCh37 (hg19) VCF-style: chr15-89873473-G-A.
Other names: c.694C>T, p.Arg232Cys (NM_001126131.2); short protein forms R232C.
Identifiers: ClinVar variation 379796 (VCV000379796.2), dbSNP rs770115219, ClinGen allele CA16607918.